The following is an entry in ClinVar:

NM_020975.6(RET):c.30G>A (p.Gly10=)

Genes: RET (ret proto-oncogene; plus strand), LOC106736614 (RET 5' regulatory region; plus strand). Cytogenetic location: 10q11.21.
Variant type: single nucleotide variant.
Coding change: c.30G>A on transcript NM_020975.6 (MANE Select); coding-DNA position 30, G replaced by A.
Protein change: p.Gly10=; no amino-acid change (glycine 10 retained).
Molecular consequence: synonymous variant.
Genome position (GRCh38, 1-based): chr10:43,077,288, G>A. VCF-style: chr10-43077288-G-A. GRCh37 (hg19) VCF-style: chr10-43572736-G-A.
Other names: c.30G>A, p.Gly10= (NM_000323.2, NM_001406743.1, NM_001406744.1 and 38 more transcripts).
Identifiers: ClinVar variation 477365 (VCV000477365.22), dbSNP rs1050242868, ClinGen allele CA206710332.

ClinVar aggregate classification (germline): Conflicting classifications of pathogenicity. Review status: criteria provided, conflicting classifications (1 of 4 stars). 5 submissions from 5 submitters: Uncertain significance (1); Likely benign (3). 1 of the submissions does not count toward it. Last evaluated 2025-12-10.

Conditions:
Hereditary cancer-predisposing syndrome. Also called: Tumor predisposition; Hereditary neoplastic syndrome; Hereditary Cancer Syndrome; Neoplastic Syndromes, Hereditary. Identifiers: Orphanet 140162, MedGen C0027672, MeSH D009386, MONDO:0015356.
Multiple endocrine neoplasia, type 2 (MEN2). Identifiers: Orphanet 653, MedGen C4048306, MONDO:0019003. Disease mechanism: gain of function.
RET-related disorder. Also called: RET-related disorders; RET-related condition; RET-related disease.

Allele frequency attached by ClinVar (database versions not stated): TOPMed 0.00001; gnomAD 0.00002 and 0.00003; gnomAD exomes below 0.00001.
gnomAD v4.1: 9 of 1,509,112 alleles (0.0006%); highest among the groups gnomAD compares: East Asian, 0.0026%; no homozygotes.

Submissions (5):

Labcorp Genetics (formerly Invitae), Labcorp
Classification: Likely benign for Multiple endocrine neoplasia, type 2. Last evaluated: 2025-12-10. Review status: criteria provided, single submitter. Criteria: Invitae Variant Classification Sherloc (09022015). Collection method: clinical testing. Allele origin: germline.

GeneDx
Classification: Uncertain significance. Last evaluated: 2025-03-19. Review status: criteria provided, single submitter. Criteria: GeneDx Variant Classification Process June 2021. Collection method: clinical testing. Allele origin: germline.
Comment: In silico analysis indicates that this variant does not alter splicing; Has not been previously published as pathogenic or benign to our knowledge

Color Diagnostics, LLC DBA Color Health
Classification: Likely benign for Multiple endocrine neoplasia, type 2. Last evaluated: 2022-11-06. Review status: criteria provided, single submitter. Criteria: ACMG Guidelines, 2015. Collection method: clinical testing. Allele origin: germline.

Ambry Genetics
Classification: Likely benign for Hereditary cancer-predisposing syndrome. Last evaluated: 2018-12-12. Review status: criteria provided, single submitter. Criteria: Ambry Variant Classification Scheme 2023. Collection method: clinical testing. Allele origin: germline.

PreventionGenetics, part of Exact Sciences
Classification: Likely benign for RET-related condition. Last evaluated: 2024-04-12. Review status: no assertion criteria provided. Collection method: clinical testing. Allele origin: germline. Not counted in ClinVar's aggregate classification.
Comment: This variant is classified as likely benign based on ACMG/AMP sequence variant interpretation guidelines (Richards et al. 2015 PMID: 25741868, with internal and published modifications).